The following is an entry in ClinVar:

NM_145207.3(AFG2A):c.12GAA[1] (p.Lys5del)

Gene: AFG2A (AFG2 AAA ATPase homolog A; plus strand). Cytogenetic location: 4q28.1.
Variant type: Microsatellite.
Coding change: c.12GAA[1] on transcript NM_145207.3 (MANE Select); one copy of the 3-base unit GAA starting at c.12; the reference has two copies in a row; one copy, 3 bases deleted.
Protein change: p.Lys5del; deletes lysine 5.
Molecular consequence: inframe deletion.
Genome position (GRCh38, 1-based): chr4:122,923,157-122,923,159, GAA deleted; deleting any 3 consecutive bases within chr4:122,923,152-122,923,159 gives the same sequence; the position shown is the placement nearest the transcript's 3' end. VCF-style (leftmost placement, unchanged base first): chr4-122923151-CAAG-C. GRCh37 (hg19) VCF-style: chr4-123844306-CAAG-C.
Other names: c.12GAA[1], p.Lys5del (NM_001317799.2, NM_001345856.2); short protein forms K5del.
Identifiers: ClinVar variation 982889 (VCV000982889.1), dbSNP rs1432376693, ClinGen allele CA786433092.

ClinVar aggregate classification (germline): Uncertain significance (1 of 4 stars; one submission).

Conditions:
Microcephaly-intellectual disability-sensorineural hearing loss-epilepsy-abnormal muscle tone syndrome (NEDHSB). Also called: NEURODEVELOPMENTAL DISORDER WITH HEARING LOSS, SEIZURES, AND BRAIN ABNORMALITIES. Identifiers: Orphanet 457351, MedGen C4225276, MONDO:0014698, OMIM 616577.

Submission:

Institute of Human Genetics, University of Leipzig Medical Center
Classification: Uncertain significance for Microcephaly-intellectual disability-sensorineural hearing loss-epilepsy-abnormal muscle tone syndrome. Last evaluated: 2019-01-01. Review status: criteria provided, single submitter. Criteria: ACMG Guidelines, 2015. Collection method: clinical testing. Allele origin: unknown. Affected: yes.
Comment: This variant was identified as compound heterozygous.